The following is an entry in ClinVar:

ClinVar aggregate classification (germline): Uncertain significance (1 of 4 stars; one submission).

Submission:

GeneDx
Classification: Uncertain significance. Last evaluated: 2023-06-13. Review status: criteria provided, single submitter. Criteria: GeneDx Variant Classification Process June 2021. Collection method: clinical testing. Allele origin: germline. Affected: yes.
Comment: Frameshift variant predicted to result in protein truncation or nonsense mediated decay in a gene for which loss-of-function is not a known mechanism of disease; Not observed in large population cohorts (gnomAD); Has not been previously published as pathogenic or benign to our knowledge

NM_012309.5(SHANK2):c.3570del (p.Ala1191fs)

Gene: SHANK2 (SH3 and multiple ankyrin repeat domains 2; minus strand). Cytogenetic location: 11q13.3.
Variant type: Deletion.
Coding change: c.3570del on transcript NM_012309.5 (MANE Select); coding-DNA position 3570, one base deleted (C; older notation c.3570delC).
Protein change: p.Ala1191fs; shifts the reading frame from alanine 1191.
Molecular consequence: frameshift variant.
Genome position (GRCh38, 1-based): chr11:70,486,723, G deleted on the plus strand (C on the coding strand, the reverse complement: SHANK2 is on the minus strand); the first of 2 consecutive G bases (chr11:70,486,723-70,486,724); deleting either gives the same sequence. VCF-style (leftmost placement, unchanged base first): chr11-70486722-CG-C. GRCh37 (hg19) VCF-style: chr11-70332827-CG-C.
Other names: c.2433del, p.Ala812fs (NM_001379226.1); c.1806del, p.Ala603fs (NM_133266.5); short protein forms A1191fs, A603fs, A812fs.
Identifiers: ClinVar variation 3252662 (VCV003252662.1), dbSNP rs2495497969.